The following is an entry in ClinVar:

ClinVar aggregate classification (germline): Benign. Review status: criteria provided, multiple submitters, no conflicts (2 of 4 stars). 7 submissions from 7 submitters: Benign (3). 4 of the submissions do not count toward it. Last evaluated 2026-06-01.

Conditions:
TFR2-related disorder. Also called: TFR2-related condition.
Hereditary hemochromatosis (HFE). Identifiers: MedGen C0392514, MONDO:0006507. Disease mechanism: loss of function.
Hemochromatosis type 3 (HFE3). Also called: TFR2-Related Hemochromatosis; Hereditary hemochromatosis type 3; HEMOCHROMATOSIS DUE TO DEFECT IN TRANSFERRIN RECEPTOR 2. Identifiers: Orphanet 225123, MedGen C1858664, MONDO:0011417, OMIM 604250.

Allele frequency attached by ClinVar (database versions not stated): 1000 Genomes Project 0.00399; 1000 Genomes Project 30x 0.00437; TOPMed 0.00494; ESP Exome Variant Server 0.00669.
gnomAD v4.1: 11,764 of 1,614,130 alleles (0.73%); highest among the groups gnomAD compares: Middle Eastern, 1.6%; 72 homozygotes.

Submissions (7):

CeGaT Center for Human Genetics Tuebingen
Classification: Benign. Last evaluated: 2026-06-01. Review status: criteria provided, single submitter. Criteria: CeGaT Center For Human Genetics Tuebingen Variant Classification Criteria Version 2. Collection method: clinical testing. Allele origin: germline. Affected: yes. Observed: 4 variant alleles.
Comment: TFR2: BP4, BS1, BS2

Labcorp Genetics (formerly Invitae), Labcorp
Classification: Benign for Hereditary hemochromatosis. Last evaluated: 2026-02-04. Review status: criteria provided, single submitter. Criteria: Invitae Variant Classification Sherloc (09022015). Collection method: clinical testing. Allele origin: germline.

Illumina Laboratory Services, Illumina
Classification: Benign for Hemochromatosis type 3. Last evaluated: 2017-04-27. Review status: criteria provided, single submitter. Criteria: ICSL Variant Classification Criteria 13 December 2019. Collection method: clinical testing. Allele origin: germline.
Comment: This variant was observed as part of a predisposition screen in an ostensibly healthy population. A literature search was performed for the gene, cDNA change, and amino acid change (where applicable). Publications were found based on this search. The evidence from the literature, in combination with allele frequency data from public databases where available, was sufficient to rule this variant out of causing disease. Therefore, this variant is classified as benign.

Natera, Inc.
Classification: Benign for Hereditary hemochromatosis type 3. Last evaluated: 2020-09-16. Review status: no assertion criteria provided. Collection method: clinical testing. Allele origin: germline. Not counted in ClinVar's aggregate classification.

PreventionGenetics, part of Exact Sciences
Classification: Benign for TFR2-related condition. Last evaluated: 2019-07-03. Review status: no assertion criteria provided. Collection method: clinical testing. Allele origin: germline. Not counted in ClinVar's aggregate classification.
Comment: This variant is classified as benign based on ACMG/AMP sequence variant interpretation guidelines (Richards et al. 2015 PMID: 25741868, with internal and published modifications).

Joint Genome Diagnostic Labs from Nijmegen and Maastricht, Radboudumc and MUMC+
Classification: Likely benign. Review status: no assertion criteria provided. Collection method: clinical testing. Allele origin: germline. Affected: yes. Study: VKGL Data-share Consensus. Not counted in ClinVar's aggregate classification.

Laboratory of Diagnostic Genome Analysis, Leiden University Medical Center (LUMC)
Classification: Likely benign. Review status: no assertion criteria provided. Collection method: clinical testing. Allele origin: germline. Affected: yes. Study: VKGL Data-share Consensus. Not counted in ClinVar's aggregate classification.

Literature cited by the submitters: PubMed 27667161 (cited by Illumina Laboratory Services, Illumina).

NM_003227.4(TFR2):c.1767+7C>T

Gene: TFR2 (transferrin receptor 2; minus strand). Cytogenetic location: 7q22.1.
Variant type: single nucleotide variant.
Coding change: c.1767+7C>T on transcript NM_003227.4 (MANE Select); 7 bases into the intron after coding-DNA position 1767, C replaced by T.
Molecular consequence: intron variant.
Genome position (GRCh38, 1-based): chr7:100,627,570, G>A on the plus strand (C>T on the coding strand, the complement: TFR2 is on the minus strand). VCF-style: chr7-100627570-G-A. GRCh37 (hg19) VCF-style: chr7-100225193-G-A.
Other names: c.1254+7C>T (NM_001206855.3).
Identifiers: ClinVar variation 415943 (VCV000415943.49), dbSNP rs41295912, ClinGen allele CA4386286.